The following is an entry in ClinVar:

NM_020297.4(ABCC9):c.4637G>A (p.Arg1546His)

Genes: ABCC9 (ATP binding cassette subfamily C member 9; minus strand), KCNJ8-AS1 (KCNJ8 antisense RNA 1; plus strand). Cytogenetic location: 12p12.1.
Variant type: single nucleotide variant.
Coding change: c.4637G>A on transcript NM_020297.4 (MANE Select); coding-DNA position 4637, G replaced by A.
Protein change: p.Arg1546His; replaces arginine 1546 with histidine.
Molecular consequence: missense variant. On other transcripts: 3 prime UTR variant (1).
Genome position (GRCh38, 1-based): chr12:21,801,057, C>T on the plus strand (G>A on the coding strand, the complement: ABCC9 is on the minus strand). VCF-style: chr12-21801057-C-T. GRCh37 (hg19) VCF-style: chr12-21953991-C-T.
Other names: c.4637G>A, p.Arg1546His (NM_001377273.1); c.3770G>A, p.Arg1257His (NM_001377274.1); c.*163G>A (NM_005691.4); short protein forms R1257H, R1546H.
Identifiers: ClinVar variation 3908042 (VCV003908042.2).

ClinVar aggregate classification (germline): Uncertain significance (1 of 4 stars; one submission).

gnomAD v4.1: 28 of 1,613,720 alleles (0.0017%); highest among the groups gnomAD compares: Middle Eastern, 0.016%; no homozygotes.

Submission:

GeneDx
Classification: Uncertain significance. Last evaluated: 2026-06-07. Review status: criteria provided, single submitter. Criteria: GeneDx Variant Classification Process June 2021. Collection method: clinical testing. Allele origin: germline.
Comment: Has not been previously published as pathogenic or benign to our knowledge; In silico analysis supports that this missense variant has a deleterious effect on protein structure/function